The following is an entry in ClinVar:

NM_015046.7(SETX):c.7813C>T (p.Arg2605Trp)

Gene: SETX (senataxin; minus strand). Cytogenetic location: 9q34.13.
Variant type: single nucleotide variant.
Coding change: c.7813C>T on transcript NM_015046.7 (MANE Select); coding-DNA position 7813, C replaced by T.
Protein change: p.Arg2605Trp; replaces arginine 2605 with tryptophan.
Molecular consequence: missense variant.
Genome position (GRCh38, 1-based): chr9:132,264,460, G>A on the plus strand (C>T on the coding strand, the complement: SETX is on the minus strand). VCF-style: chr9-132264460-G-A. GRCh37 (hg19) VCF-style: chr9-135139847-G-A.
Other names: c.7813C>T, p.Arg2605Trp (NM_001351527.2); c.7900C>T, p.Arg2634Trp (NM_001351528.2); short protein forms R2634W, R2605W.
Identifiers: ClinVar variation 2921603 (VCV002921603.4), dbSNP rs1427485242, ClinGen allele CA375322587.

ClinVar aggregate classification (germline): Conflicting classifications of pathogenicity. Review status: criteria provided, conflicting classifications (1 of 4 stars). 2 submissions from 2 submitters: Uncertain significance (1); Benign (1). Last evaluated 2026-04-04.

Conditions:
Spinocerebellar ataxia, autosomal recessive, with axonal neuropathy 2 (SCAN2). Also called: ATAXIA-OCULOMOTOR APRAXIA 2; Ataxia-ocular apraxia-2; Ataxia with Oculomotor Apraxia; Ataxia with Oculomotor Apraxia Type 2. Identifiers: Orphanet 64753, MedGen C1853761, MONDO:0018996, OMIM 606002.
Amyotrophic lateral sclerosis type 4 (ALS4). Also called: AMYOTROPHIC LATERAL SCLEROSIS 4, JUVENILE; NEURONOPATHY, DISTAL HEREDITARY MOTOR, WITH PYRAMIDAL FEATURES. Identifiers: Orphanet 357043, MedGen C1865409, MONDO:0011223, OMIM 602433.

Allele frequency attached by ClinVar (database versions not stated): gnomAD exomes 0.00001; gnomAD 0.00001.
gnomAD v4.1: 22 of 1,613,758 alleles (0.0014%); highest among the groups gnomAD compares: South Asian, 0.0044%; no homozygotes.

Submissions (2):

GeneDx
Classification: Uncertain significance. Last evaluated: 2026-04-04. Review status: criteria provided, single submitter. Criteria: GeneDx Variant Classification Process June 2021. Collection method: clinical testing. Allele origin: germline.
Comment: In silico analysis suggests that this missense variant does not alter protein structure/function; Has not been previously published as pathogenic or benign to our knowledge

Labcorp Genetics (formerly Invitae), Labcorp
Classification: Benign for Amyotrophic lateral sclerosis type 4; Spinocerebellar ataxia, autosomal recessive, with axonal neuropathy 2. Last evaluated: 2022-11-07. Review status: criteria provided, single submitter. Criteria: Invitae Variant Classification Sherloc (09022015). Collection method: clinical testing. Allele origin: germline.